The following is an entry in ClinVar:

NM_023110.3(FGFR1):c.*113G>A

Gene: FGFR1 (fibroblast growth factor receptor 1; minus strand). Cytogenetic location: 8p11.23.
Variant type: single nucleotide variant.
Coding change: c.*113G>A on transcript NM_023110.3 (MANE Select); 113 bases downstream of the stop codon, G replaced by A.
Molecular consequence: 3 prime UTR variant. On other transcripts: intron variant (3).
Genome position (GRCh38, 1-based): chr8:38,413,515, C>T on the plus strand (G>A on the coding strand, the complement: FGFR1 is on the minus strand). VCF-style: chr8-38413515-C-T. GRCh37 (hg19) VCF-style: chr8-38271033-C-T.
Other names: c.*113G>A (NM_001174063.2, NM_001174064.2, NM_001174065.2 and 6 more transcripts); c.2019+403G>A (NM_001354370.2); c.2286+403G>A (NM_001354367.2); c.2280+403G>A (NM_001354369.2).
Identifiers: ClinVar variation 362887 (VCV000362887.5), dbSNP rs180885042, ClinGen allele CA10630969.

ClinVar aggregate classification (germline): Benign. Review status: criteria provided, single submitter (1 of 4 stars). 4 submissions from 1 submitter: Benign (4). Last evaluated 2018-01-13.

Conditions:
Trigonocephaly 1 (TRIGNO1). Identifiers: Orphanet 3366, MedGen C0432122, MONDO:0008603, OMIM 190440.
Osteoglophonic dysplasia (OGD). Also called: Osteoglophonic dwarfism. Identifiers: Orphanet 2645, MedGen C0432283, MONDO:0008150, OMIM 166250.
Hypogonadotropic hypogonadism 2 with or without anosmia (HH2). Also called: HYPOGONADOTROPIC HYPOGONADISM 2 WITH OR WITHOUT ANOSMIA, SUSCEPTIBILITY TO; HYPOGONADOTROPIC HYPOGONADISM 2 WITHOUT ANOSMIA, SUSCEPTIBILITY TO; FGFR1-Related GnRH Deficiency (Kallmann Syndrome 2); HYPOGONADOTROPIC HYPOGONADISM 2 WITHOUT ANOSMIA. Identifiers: Orphanet 478, MedGen C1563720, MONDO:0007844, OMIM 147950. Disease mechanism: loss of function.
Craniosynostosis syndrome. Also called: Craniosynostosis. Identifiers: Orphanet 1531, MedGen C0010278, MeSH D003398, MONDO:0015469, HP:0001363.

Allele frequency attached by ClinVar (database versions not stated): TOPMed 0.00034; gnomAD 0.00036; 1000 Genomes Project 30x 0.00047; 1000 Genomes Project 0.00060.
gnomAD v4.1: 261 of 1,258,528 alleles (0.021%); highest among the groups gnomAD compares: African/African-American, 0.036%; 1 homozygote.

Submissions (4):

Illumina Laboratory Services, Illumina
Classification: Benign for Trigonocephaly 1. Last evaluated: 2018-01-13. Review status: criteria provided, single submitter. Criteria: ICSL Variant Classification Criteria 13 December 2019. Collection method: clinical testing. Allele origin: germline.
Comment: This variant was observed in the ICSL laboratory as part of a predisposition screen in an ostensibly healthy population. It had not been previously curated by ICSL or reported in the Human Gene Mutation Database (HGMD: prior to June 1st, 2018), and was therefore a candidate for classification through an automated scoring system. Utilizing variant allele frequency, disease prevalence and penetrance estimates, and inheritance mode, an automated score was calculated to assess if this variant is too frequent to cause the disease. Based on the score and internal cut-off values, a variant classified as benign is not then subjected to further curation. The score for this variant resulted in a classification of benign for this disease.

Illumina Laboratory Services, Illumina
Classification: Benign for Craniosynostosis. Last evaluated: 2018-01-13. Review status: criteria provided, single submitter. Criteria: ICSL Variant Classification Criteria 13 December 2019. Collection method: clinical testing. Allele origin: germline.
Comment: the same text as in the submission from Illumina Laboratory Services, Illumina above.

Illumina Laboratory Services, Illumina
Classification: Benign for Hypogonadotropic hypogonadism 2 with or without anosmia. Last evaluated: 2018-01-13. Review status: criteria provided, single submitter. Criteria: ICSL Variant Classification Criteria 13 December 2019. Collection method: clinical testing. Allele origin: germline.
Comment: the same text as in the submission from Illumina Laboratory Services, Illumina above.

Illumina Laboratory Services, Illumina
Classification: Benign for Osteoglophonic dysplasia. Last evaluated: 2018-01-13. Review status: criteria provided, single submitter. Criteria: ICSL Variant Classification Criteria 13 December 2019. Collection method: clinical testing. Allele origin: germline.
Comment: the same text as in the submission from Illumina Laboratory Services, Illumina above.